The following is an entry in ClinVar:

NM_018055.5(NODAL):c.222G>A (p.Thr74=)

Gene: NODAL (nodal growth differentiation factor; minus strand). Cytogenetic location: 10q22.1.
Variant type: single nucleotide variant.
Coding change: c.222G>A on transcript NM_018055.5 (MANE Select); coding-DNA position 222, G replaced by A.
Protein change: p.Thr74=; no amino-acid change (threonine 74 retained).
Molecular consequence: synonymous variant. On other transcripts: 5 prime UTR variant (1).
Genome position (GRCh38, 1-based): chr10:70,435,955, C>T on the plus strand (G>A on the coding strand, the complement: NODAL is on the minus strand). VCF-style: chr10-70435955-C-T. GRCh37 (hg19) VCF-style: chr10-72195711-C-T.
Other names: c.-178G>A (NM_001329906.2); c.222G>A (NM_018055.4).
Identifiers: ClinVar variation 1929444 (VCV001929444.7), dbSNP rs747485211, ClinGen allele CA5537636.

ClinVar aggregate classification (germline): Likely benign. Review status: criteria provided, single submitter (1 of 4 stars). 2 submissions from 2 submitters: Likely benign (1). 1 of the submissions does not count toward it. Last evaluated 2022-04-18.

Conditions:
NODAL-related disorder. Also called: NODAL-related disorders; NODAL-related condition. Identifiers: MedGen CN239298.
Heterotaxy, visceral, 5, autosomal (HTX5). Also called: Heterotaxy, visceral, 5. Identifiers: Orphanet 450, MedGen C3495537, MONDO:0700112, OMIM 270100.

Allele frequency attached by ClinVar (database versions not stated): gnomAD 0.00001; gnomAD exomes 0.00001; TOPMed 0.00001; ExAC 0.00002.
gnomAD v4.1: 18 of 1,614,052 alleles (0.0011%); highest among the groups gnomAD compares: East Asian, 0.0067%; no homozygotes.

Submissions (2):

Labcorp Genetics (formerly Invitae), Labcorp
Classification: Likely benign for Heterotaxy, visceral, 5, autosomal. Last evaluated: 2022-04-18. Review status: criteria provided, single submitter. Criteria: Invitae Variant Classification Sherloc (09022015). Collection method: clinical testing. Allele origin: germline.

PreventionGenetics, part of Exact Sciences
Classification: Likely benign for NODAL-related condition. Last evaluated: 2020-10-20. Review status: no assertion criteria provided. Collection method: clinical testing. Allele origin: germline. Not counted in ClinVar's aggregate classification.
Comment: This variant is classified as likely benign based on ACMG/AMP sequence variant interpretation guidelines (Richards et al. 2015 PMID: 25741868, with internal and published modifications).